The following is an entry in ClinVar:

ClinVar aggregate classification (germline): Uncertain significance. Review status: criteria provided, single submitter (1 of 4 stars). 2 submissions from 2 submitters: Uncertain significance (1). 1 of the submissions does not count toward it. Last evaluated 2019-06-19.

Conditions:
Retinitis pigmentosa 26 (RP26). Identifiers: Orphanet 791, MedGen C1842127, MONDO:0012024, OMIM 608380.

gnomAD v4.1: 2 of 1,600,564 alleles (0.00012%); highest among the groups gnomAD compares: South Asian, 0.0022%; no homozygotes.

Submissions (2):

ARUP Laboratories, Molecular Genetics and Genomics, ARUP Laboratories
Classification: Uncertain significance for Retinitis pigmentosa 26. Last evaluated: 2019-06-19. Review status: criteria provided, single submitter. Criteria: ARUP Molecular Germline Variant Investigation Process. Collection method: clinical testing. Allele origin: germline.
Comment: The CERKL c.184G>T; p.Val62Leu variant, to our knowledge, is not reported in the medical literature or gene-specific databases. The variant is also absent from general population databases (Exome Variant Server, Genome Aggregation Database), indicating it is not a common polymorphism. The amino acid at this position is weakly conserved and computational analyses (SIFT, PolyPhen-2) predict that this variant is tolerated. Due to limited information, the clinical significance of the variant is uncertain at this time.

Natera, Inc.
Classification: Uncertain significance for Retinitis Pigmentosa 26. Last evaluated: 2021-10-01. Review status: no assertion criteria provided. Collection method: clinical testing. Allele origin: germline. Not counted in ClinVar's aggregate classification.

NM_201548.5(CERKL):c.184G>T (p.Val62Leu)

Genes: CERKL (CERK like autophagy regulator; minus strand), LOC129935214 (ATAC-STARR-seq lymphoblastoid silent region 12157; plus strand). Cytogenetic location: 2q31.3.
Variant type: single nucleotide variant.
Coding change: c.184G>T on transcript NM_201548.5 (MANE Select); coding-DNA position 184, G replaced by T.
Protein change: p.Val62Leu; replaces valine 62 with leucine.
Molecular consequence: missense variant. On other transcripts: non-coding transcript variant (2).
Genome position (GRCh38, 1-based): chr2:181,656,823, C>A on the plus strand (G>T on the coding strand, the complement: CERKL is on the minus strand). VCF-style: chr2-181656823-C-A. GRCh37 (hg19) VCF-style: chr2-182521550-C-A.
Other names: c.184G>T, p.Val62Leu (NM_001160277.2, NM_001030312.3, NM_001030311.3 and 1 more transcripts); short protein forms V62L.
Identifiers: ClinVar variation 812058 (VCV000812058.11), dbSNP rs1574077394, ClinGen allele CA349744371.